The following is an entry in ClinVar:

NM_182914.3(SYNE2):c.15419T>C (p.Phe5140Ser)

Gene: SYNE2 (spectrin repeat containing nuclear envelope protein 2; plus strand). Cytogenetic location: 14q23.2.
Variant type: single nucleotide variant.
Coding change: c.15419T>C on transcript NM_182914.3 (MANE Select); coding-DNA position 15419, T replaced by C.
Protein change: p.Phe5140Ser; replaces phenylalanine 5140 with serine.
Molecular consequence: missense variant.
Genome position (GRCh38, 1-based): chr14:64,143,884, T>C. VCF-style: chr14-64143884-T-C. GRCh37 (hg19) VCF-style: chr14-64610602-T-C.
Other names: c.15419T>C, p.Phe5140Ser (NM_015180.6); short protein forms F5140S.
Identifiers: ClinVar variation 2920350 (VCV002920350.3), dbSNP rs147572168, ClinGen allele CA7223076.

ClinVar aggregate classification (germline): Uncertain significance (1 of 4 stars; one submission).

Conditions:
Emery-Dreifuss muscular dystrophy 5, autosomal dominant (EDMD5). Also called: EMERY-DREIFUSS MUSCULAR DYSTROPHY 5. Identifiers: Orphanet 261, MedGen C2751805, MONDO:0013072, OMIM 612999.

Allele frequency attached by ClinVar (database versions not stated): ExAC 0.00002; gnomAD 0.00003; TOPMed 0.00004; ESP Exome Variant Server 0.00015.
gnomAD v4.1: 4 of 1,613,998 alleles (0.00025%); highest among the groups gnomAD compares: African/African-American, 0.0053%; no homozygotes.

Submission:

Labcorp Genetics (formerly Invitae), Labcorp
Classification: Uncertain significance for Emery-Dreifuss muscular dystrophy 5, autosomal dominant. Last evaluated: 2022-12-10. Review status: criteria provided, single submitter. Criteria: Invitae Variant Classification Sherloc (09022015). Collection method: clinical testing. Allele origin: germline.
Comment: In summary, the available evidence is currently insufficient to determine the role of this variant in disease. Therefore, it has been classified as a Variant of Uncertain Significance. Algorithms developed to predict the effect of missense changes on protein structure and function (SIFT, PolyPhen-2, Align-GVGD) all suggest that this variant is likely to be disruptive. This variant has not been reported in the literature in individuals affected with SYNE2-related conditions. This variant is present in population databases (rs147572168, gnomAD 0.007%). This sequence change replaces phenylalanine, which is neutral and non-polar, with serine, which is neutral and polar, at codon 5140 of the SYNE2 protein (p.Phe5140Ser).